The following is an entry in ClinVar:

NM_006767.4(LZTR1):c.1397G>C (p.Arg466Pro)

Gene: LZTR1 (leucine zipper like post translational regulator 1; plus strand). Cytogenetic location: 22q11.21.
Variant type: single nucleotide variant.
Coding change: c.1397G>C on transcript NM_006767.4 (MANE Select); coding-DNA position 1397, G replaced by C.
Protein change: p.Arg466Pro; replaces arginine 466 with proline.
Molecular consequence: missense variant.
Genome position (GRCh38, 1-based): chr22:20,993,967, G>C. VCF-style: chr22-20993967-G-C. GRCh37 (hg19) VCF-style: chr22-21348256-G-C.
Other names: short protein forms R466P.
Identifiers: ClinVar variation 1771661 (VCV001771661.4), dbSNP rs587777180, ClinGen allele CA410775158.
Genomic context (GRCh38, chr22:20,993,967, plus strand): 5'-CATCATTCTTTGTGCAGAAGGAGGAGTGCGTGCAGGGCCACGTAGCCATTGTCACAGCGC[G>C]GAGCCGCTGGCTTCGCAGGAAGATCACGCAGGCGCGGGAGAGGCTGGCCCAGGTGAGGTG-3'
Protein context (NP_006758.2, residues 456-476): VQGHVAIVTA[Arg466Pro]SRWLRRKITQ

ClinVar aggregate classification (germline): Uncertain significance. Review status: criteria provided, multiple submitters, no conflicts (2 of 4 stars). 2 submissions from 2 submitters: Uncertain significance (2). Last evaluated 2024-10-22.

Conditions:
Cardiovascular phenotype. Identifiers: MedGen CN230736.
Hereditary cancer-predisposing syndrome. Also called: Hereditary Cancer Syndrome; Hereditary neoplastic syndrome; Neoplastic Syndromes, Hereditary; Tumor predisposition. Identifiers: Orphanet 140162, MedGen C0027672, MeSH D009386, MONDO:0015356.

Submissions (2):

Labcorp Genetics (formerly Invitae), Labcorp
Classification: Uncertain significance. Last evaluated: 2024-10-22. Review status: criteria provided, single submitter. Criteria: Invitae Variant Classification Sherloc (09022015). Collection method: clinical testing. Allele origin: germline.
Comment: This sequence change replaces arginine, which is basic and polar, with proline, which is neutral and non-polar, at codon 466 of the LZTR1 protein (p.Arg466Pro). This variant is not present in population databases (gnomAD no frequency). This variant has not been reported in the literature in individuals affected with LZTR1-related conditions. ClinVar contains an entry for this variant (Variation ID: 1771661). Invitae Evidence Modeling of protein sequence and biophysical properties (such as structural, functional, and spatial information, amino acid conservation, physicochemical variation, residue mobility, and thermodynamic stability) indicates that this missense variant is not expected to disrupt LZTR1 protein function with a negative predictive value of 80%. This variant disrupts the p.Arg466 amino acid residue in LZTR1. Other variant(s) that disrupt this residue have been determined to be pathogenic (PMID: 24362817, 30442762, 31130284, 31219622, 36947458; internal data). This suggests that this residue is clinically significant, and that variants that disrupt this residue are likely to be disease-causing. In summary, the available evidence is currently insufficient to determine the role of this variant in disease. Therefore, it has been classified as a Variant of Uncertain Significance.

Ambry Genetics
Classification: Uncertain significance for Cardiovascular phenotype; Hereditary cancer-predisposing syndrome. Last evaluated: 2021-12-02. Review status: criteria provided, single submitter. Criteria: Ambry Variant Classification Scheme 2023. Collection method: clinical testing. Allele origin: germline.
Comment: The p.R466P variant (also known as c.1397G>C), located in coding exon 13 of the LZTR1 gene, results from a G to C substitution at nucleotide position 1397. The arginine at codon 466 is replaced by proline, an amino acid with dissimilar properties. This amino acid position is highly conserved in available vertebrate species. In addition, this alteration is predicted to be deleterious by in silico analysis. Since supporting evidence is limited at this time, the clinical significance of this alteration remains unclear.

Literature cited by the submitters: PubMed 24362817 (cited by Labcorp Genetics (formerly Invitae), Labcorp); PubMed 30442762 (cited by Labcorp Genetics (formerly Invitae), Labcorp); PubMed 31130284 (cited by Labcorp Genetics (formerly Invitae), Labcorp); PubMed 31219622 (cited by Labcorp Genetics (formerly Invitae), Labcorp); PubMed 36947458 (cited by Labcorp Genetics (formerly Invitae), Labcorp).